The following is an entry in ClinVar:

NM_020738.4(KIDINS220):c.1666T>C (p.Trp556Arg)

Gene: KIDINS220 (kinase D interacting substrate 220; minus strand). Cytogenetic location: 2p25.1.
Variant type: single nucleotide variant.
Coding change: c.1666T>C on transcript NM_020738.4 (MANE Select); coding-DNA position 1666, T replaced by C.
Protein change: p.Trp556Arg; replaces tryptophan 556 with arginine.
Molecular consequence: missense variant. On other transcripts: non-coding transcript variant (2).
Genome position (GRCh38, 1-based): chr2:8,788,768, A>G on the plus strand (T>C on the coding strand, the complement: KIDINS220 is on the minus strand). VCF-style: chr2-8788768-A-G. GRCh37 (hg19) VCF-style: chr2-8928898-A-G.
Other names: c.1669T>C, p.Trp557Arg (NM_001348729.2, NM_001348731.2, NM_001348734.2 and 3 more transcripts); c.1666T>C, p.Trp556Arg (NM_001348732.2, NM_001348735.2, NM_001348738.2 and 3 more transcripts); c.1540T>C, p.Trp514Arg (NM_001348736.2); short protein forms W557R, W514R, W556R.
Identifiers: ClinVar variation 5001105 (VCV005001105.1).
Genomic context (GRCh38, chr2:8,788,768, plus strand): 5'-TAAGGAGGAGTTCCAAATATCCAATATGTCTTGCCAATCTAGTGCTGAGGACCCAGGCCC[A>G]ATTCCAACTCTCTCCTTCTCTTCGTCCACCAAAGTAAATGACAACTGAAATTCACAGTTT-3'
Protein context (NP_065789.1, residues 546-566): GGRREGESWN[Trp556Arg]AWVLSTRLAR

ClinVar aggregate classification (germline): Uncertain significance (1 of 4 stars; one submission).

Conditions:
KIDINS220-related disorder. Also called: KIDINS220-related condition.

Submission:

PreventionGenetics, part of Exact Sciences
Classification: Uncertain significance for KIDINS220-related condition. Last evaluated: 2025-03-19. Review status: criteria provided, single submitter. Criteria: ACMG Guidelines, 2015. Collection method: clinical testing. Allele origin: germline.
Comment: The KIDINS220 c.1666T>C variant is predicted to result in the amino acid substitution p.Trp556Arg. To our knowledge, this variant has not been reported in the literature or in a large population database (gnomAD), indicating this variant is rare. At this time, the clinical significance of this variant is uncertain due to the absence of conclusive functional and genetic evidence.